The following is an entry in ClinVar:

ClinVar aggregate classification (germline): Uncertain significance (1 of 4 stars; one submission).

gnomAD v4.1: 1 of 1,205,846 alleles (0.000083%); highest among the groups gnomAD compares: Non-Finnish European, 0.00011%; no homozygotes.

Submission:

GeneDx
Classification: Uncertain significance. Last evaluated: 2024-09-19. Review status: criteria provided, single submitter. Criteria: GeneDx Variant Classification Process June 2021. Collection method: clinical testing. Allele origin: germline. Affected: yes.
Comment: Reported in an individual with azoospermia; described as p.(H243R) due to alternate nomenclature (PMID: 35809576); Not observed at significant frequency in large population cohorts (gnomAD); In silico analysis indicates that this missense variant does not alter protein structure/function; This variant is associated with the following publications: (PMID: 35809576)

NM_078629.4(MSL3):c.728A>G (p.His243Arg)

Gene: MSL3 (MSL complex subunit 3; plus strand). Cytogenetic location: Xp22.2.
Variant type: single nucleotide variant.
Coding change: c.728A>G on transcript NM_078629.4 (MANE Select); coding-DNA position 728, A replaced by G.
Protein change: p.His243Arg; replaces histidine 243 with arginine.
Molecular consequence: missense variant.
Genome position (GRCh38, 1-based): chrX:11,762,976, A>G. VCF-style: chrX-11762976-A-G. GRCh37 (hg19) VCF-style: chrX-11781095-A-G.
Other names: c.692A>G, p.His231Arg (NM_001193270.2); c.281A>G, p.His94Arg (NM_001282174.1); c.230A>G, p.His77Arg (NM_006800.4); c.728A>G, p.His243Arg (NM_078628.2); short protein forms H231R, H243R, H77R, H94R.
Identifiers: ClinVar variation 3774030 (VCV003774030.1).